The following is an entry in ClinVar:

NM_003227.4(TFR2):c.1870C>T (p.Gln624Ter)

Gene: TFR2 (transferrin receptor 2; minus strand). Cytogenetic location: 7q22.1.
Variant type: single nucleotide variant.
Coding change: c.1870C>T on transcript NM_003227.4 (MANE Select); coding-DNA position 1870, C replaced by T.
Protein change: p.Gln624Ter; replaces glutamine 624 with a stop codon.
Molecular consequence: nonsense.
Genome position (GRCh38, 1-based): chr7:100,627,389, G>A on the plus strand (C>T on the coding strand, the complement: TFR2 is on the minus strand). VCF-style: chr7-100627389-G-A. GRCh37 (hg19) VCF-style: chr7-100225012-G-A.
Other names: c.1357C>T, p.Gln453Ter (NM_001206855.3); short protein forms Q624*, Q453*.
Identifiers: ClinVar variation 582071 (VCV000582071.9), dbSNP rs1220336558, ClinGen allele CA368524983.

ClinVar aggregate classification (germline): Pathogenic. Review status: criteria provided, multiple submitters, no conflicts (2 of 4 stars). 2 submissions from 2 submitters: Pathogenic (2). Last evaluated 2023-12-21.

Conditions:
Hereditary hemochromatosis (HFE). Identifiers: MedGen C0392514, MONDO:0006507. Disease mechanism: loss of function.
Hemochromatosis type 3 (HFE3). Also called: TFR2-Related Hemochromatosis; Hereditary hemochromatosis type 3; HEMOCHROMATOSIS DUE TO DEFECT IN TRANSFERRIN RECEPTOR 2. Identifiers: Orphanet 225123, MedGen C1858664, MONDO:0011417, OMIM 604250.

Allele frequency attached by ClinVar (database versions not stated): TOPMed below 0.00001; gnomAD exomes 0.00001 and 0.00002.

Submissions (2):

Labcorp Genetics (formerly Invitae), Labcorp
Classification: Pathogenic for Hereditary hemochromatosis. Last evaluated: 2023-12-21. Review status: criteria provided, single submitter. Criteria: Invitae Variant Classification Sherloc (09022015). Collection method: clinical testing. Allele origin: germline.
Comment: This sequence change creates a premature translational stop signal (p.Gln624*) in the TFR2 gene. It is expected to result in an absent or disrupted protein product. Loss-of-function variants in TFR2 are known to be pathogenic (PMID: 23600741, 26029709). This variant is present in population databases (no rsID available, gnomAD no frequency). This premature translational stop signal has been observed in individual(s) with hereditary hemochromatosis (PMID: 28276324). ClinVar contains an entry for this variant (Variation ID: 582071). For these reasons, this variant has been classified as Pathogenic.

Baylor Genetics
Classification: Pathogenic for Hemochromatosis type 3. Last evaluated: 2023-08-16. Review status: criteria provided, single submitter. Criteria: ACMG Guidelines, 2015. Collection method: clinical testing. Allele origin: unknown.

Literature cited by the submitters: PubMed 23600741 (cited by Labcorp Genetics (formerly Invitae), Labcorp); PubMed 26029709 (cited by Labcorp Genetics (formerly Invitae), Labcorp); PubMed 28276324 (cited by Labcorp Genetics (formerly Invitae), Labcorp).